The following is an entry in ClinVar:

ClinVar aggregate classification (germline): Uncertain significance (1 of 4 stars; one submission).

Conditions:
Bruck syndrome 2 (BRKS2). Also called: OSTEOGENESIS IMPERFECTA WITH CONGENITAL JOINT CONTRACTURES. Identifiers: Orphanet 2771, MedGen C1836602, MONDO:0012217, OMIM 609220.

Allele frequency attached by ClinVar (database versions not stated): gnomAD exomes below 0.00001.
gnomAD v4.1: 1 of 1,599,412 alleles (0.000063%); highest among the groups gnomAD compares: Admixed American, 0.0017%; no homozygotes.

Submission:

Johns Hopkins Genomics, Johns Hopkins University
Classification: Uncertain significance for Bruck syndrome 2. Last evaluated: 2020-09-10. Review status: criteria provided, single submitter. Criteria: ACMG Guidelines, 2015. Collection method: clinical testing. Allele origin: germline.
Comment: This PLOD2 variant is absent in a large population dataset and has not been reported previously in the literature to our knowledge. Three bioinformatic tools queried predict that p.Asp757Val would be damaging. The asparagine residue at this position is strongly conserved across all vertebrate species assessed. This variant is not predicted to affect normal exon 20 splicing, although this has not been confirmed experimentally to our knowledge. Due to insufficient evidence, we consider the clinical significance of c.2270A>T to be uncertain at this time.

Literature cited by the submitters: PubMed 12881513; PubMed 15523624; PubMed 22689593; PubMed 29178448; PubMed 9927692.

NM_182943.3(PLOD2):c.2270A>T (p.Asp757Val)

Gene: PLOD2 (procollagen-lysine,2-oxoglutarate 5-dioxygenase 2; minus strand). Cytogenetic location: 3q24.
Variant type: single nucleotide variant.
Coding change: c.2270A>T on transcript NM_182943.3 (MANE Select); coding-DNA position 2270, A replaced by T.
Protein change: p.Asp757Val; replaces aspartic acid 757 with valine.
Molecular consequence: missense variant.
Genome position (GRCh38, 1-based): chr3:146,070,724, T>A on the plus strand (A>T on the coding strand, the complement: PLOD2 is on the minus strand). VCF-style: chr3-146070724-T-A. GRCh37 (hg19) VCF-style: chr3-145788511-T-A.
Other names: c.2207A>T, p.Asp736Val (NM_000935.3); short protein forms D736V, D757V.
Identifiers: ClinVar variation 981531 (VCV000981531.1), dbSNP rs1936095846, ClinGen allele CA354881577.
Genomic context (GRCh38, chr3:146,070,724, plus strand): 5'-TCATGCCAGTCATTCATCCAAAATAAATTTCAATTCAATGAAAAGTAAATAACTTAGGGA[T>A]CTATAAATGACACTGCAATGTATCTTGTTCCATTTTTAACAGGAAGTCCTTCATGCAAAT-3'
Protein context (NP_891988.1, residues 747-758): GTRYIAVSFI[Asp757Val]P